The following is an entry in ClinVar:

NM_022836.4(DCLRE1B):c.929T>A (p.Leu310Gln)

Gene: DCLRE1B (DNA cross-link repair 1B; plus strand). Cytogenetic location: 1p13.2.
Variant type: single nucleotide variant.
Coding change: c.929T>A on transcript NM_022836.4 (MANE Select); coding-DNA position 929, T replaced by A.
Protein change: p.Leu310Gln; replaces leucine 310 with glutamine.
Molecular consequence: missense variant.
Genome position (GRCh38, 1-based): chr1:113,911,521, T>A. VCF-style: chr1-113911521-T-A. GRCh37 (hg19) VCF-style: chr1-114454143-T-A.
Other names: c.551T>A, p.Leu184Gln (NM_001319946.2, NM_001319947.2, NM_001363691.2); c.929T>A, p.Leu310Gln (NM_001363690.2); short protein forms L184Q, L310Q.
Identifiers: ClinVar variation 840903 (VCV000840903.11), dbSNP rs201436658, ClinGen allele CA1016493.
Genomic context (GRCh38, chr1:113,911,521, plus strand): 5'-AGCCTTGCCAGGTGGTGCCCATTGTAAGTCGGCGGCCCTGTGGAGGCTTTCAGGACAGTC[T>A]GAGCCCCAGGATCTCCGTGCCCCTGATTCCGGACTCTGTACAGCAATACATGAGTTCTTC-3'
Protein context (NP_073747.1, residues 300-320): RRPCGGFQDS[Leu310Gln]SPRISVPLIP

ClinVar aggregate classification (germline): Uncertain significance. Review status: criteria provided, multiple submitters, no conflicts (2 of 4 stars). 2 submissions from 2 submitters: Uncertain significance (2). Last evaluated 2023-11-03.

Conditions:
Hoyeraal-Hreidarsson syndrome (HHS). Also called: CEREBELLAR HYPOPLASIA WITH PANCYTOPENIA. Identifiers: Orphanet 3322, MedGen C1846142, MONDO:0018045.
Autosomal recessive dyskeratosis congenita. Identifiers: MedGen C3502105.

Allele frequency attached by ClinVar (database versions not stated): ExAC 0.00002; gnomAD exomes 0.00002 and 0.00007; TOPMed 0.00004; gnomAD 0.00006; ESP Exome Variant Server 0.00008; 1000 Genomes Project 0.00020; 1000 Genomes Project 30x 0.00031.
gnomAD v4.1: 102 of 1,613,980 alleles (0.0063%); highest among the groups gnomAD compares: Non-Finnish European, 0.0085%; no homozygotes.

Submissions (2):

Ambry Genetics
Classification: Uncertain significance. Last evaluated: 2023-11-03. Review status: criteria provided, single submitter. Criteria: Ambry Variant Classification Scheme 2023. Collection method: clinical testing. Allele origin: germline.

Labcorp Genetics (formerly Invitae), Labcorp
Classification: Uncertain significance for Hoyeraal-Hreidarsson syndrome; Autosomal recessive dyskeratosis congenita. Last evaluated: 2019-11-25. Review status: criteria provided, single submitter. Criteria: Invitae Variant Classification Sherloc (09022015). Collection method: clinical testing. Allele origin: germline.
Comment: This sequence change replaces leucine with glutamine at codon 310 of the DCLRE1B protein (p.Leu310Gln). The leucine residue is moderately conserved and there is a moderate physicochemical difference between leucine and glutamine. This variant is present in population databases (rs201436658, ExAC 0.003%). This variant has not been reported in the literature in individuals with DCLRE1B-related conditions. Algorithms developed to predict the effect of missense changes on protein structure and function are either unavailable or do not agree on the potential impact of this missense change (SIFT: "Tolerated"; PolyPhen-2: "Probably Damaging"; Align-GVGD: "Class C0"). In summary, the available evidence is currently insufficient to determine the role of this variant in disease. Therefore, it has been classified as a Variant of Uncertain Significance.